The following is an entry in ClinVar:

ClinVar aggregate classification (germline): Likely benign. Review status: criteria provided, multiple submitters, no conflicts (2 of 4 stars). 3 submissions from 3 submitters: Likely benign (2). 1 of the submissions does not count toward it. Last evaluated 2025-09-20.

Conditions:
DNAH8-related disorder. Also called: DNAH8-related condition.
Primary ciliary dyskinesia. Also called: Ciliary dyskinesia. Identifiers: Orphanet 244, MedGen C0008780, MONDO:0016575, HP:0012265.

Allele frequency attached by ClinVar (database versions not stated): ExAC 0.00001; gnomAD exomes 0.00002 and 0.00003; gnomAD 0.00006; TOPMed 0.00008.
gnomAD v4.1: 56 of 1,612,252 alleles (0.0035%); highest among the groups gnomAD compares: Admixed American, 0.022%; no homozygotes.

Submissions (3):

Labcorp Genetics (formerly Invitae), Labcorp
Classification: Likely benign for Primary ciliary dyskinesia. Last evaluated: 2025-09-20. Review status: criteria provided, single submitter. Criteria: Invitae Variant Classification Sherloc (09022015). Collection method: clinical testing. Allele origin: germline.

Blueprint Genetics
Classification: Likely benign. Last evaluated: 2024-05-17. Review status: criteria provided, single submitter. Criteria: ACMG Guidelines, 2015. Collection method: clinical testing. Allele origin: germline.

PreventionGenetics, part of Exact Sciences
Classification: Likely benign for DNAH8-related condition. Last evaluated: 2023-05-02. Review status: no assertion criteria provided. Collection method: clinical testing. Allele origin: germline. Not counted in ClinVar's aggregate classification.
Comment: This variant is classified as likely benign based on ACMG/AMP sequence variant interpretation guidelines (Richards et al. 2015 PMID: 25741868, with internal and published modifications).

NM_001206927.2(DNAH8):c.6369T>C (p.Pro2123=)

Gene: DNAH8 (dynein axonemal heavy chain 8; plus strand). Cytogenetic location: 6p21.2.
Variant type: single nucleotide variant.
Coding change: c.6369T>C on transcript NM_001206927.2 (MANE Select); coding-DNA position 6369, T replaced by C.
Protein change: p.Pro2123=; no amino-acid change (proline 2123 retained).
Molecular consequence: synonymous variant.
Genome position (GRCh38, 1-based): chr6:38,863,931, T>C. VCF-style: chr6-38863931-T-C. GRCh37 (hg19) VCF-style: chr6-38831707-T-C.
Other names: c.5718T>C, p.Pro1906= (NM_001371.4).
Identifiers: ClinVar variation 414382 (VCV000414382.15), dbSNP rs759664111, ClinGen allele CA3789643.
Genomic context (GRCh38, chr6:38,863,931, plus strand): 5'-AGGTCTTGCACAGTCGGGTTCCTGGGGCTGTTTTGATGAGTTTAACAGAATTGAATTGCC[T>C]GTATTATCAGTGGCAGCACAACAAATTTATATTGTTTTGACAGCAAGAAAAGAAAGAAAG-3'
Protein context (NP_001193856.1, residues 2113-2133): CFDEFNRIEL[Pro2123=]VLSVAAQQIY